The following is an entry in ClinVar:

ClinVar aggregate classification (germline): Uncertain significance (1 of 4 stars; one submission).

Conditions:
Kabuki syndrome 1 (KABUK1). Also called: KMT2D-Related Kabuki Syndrome. Identifiers: Orphanet 2322, MedGen CN030661, MONDO:0007843, OMIM 147920.

Submission:

Centro Nacional de Genética Medica, Administración Nacional de Laboratorios e Institutos de Salud (ANLIS) “Dr. Carlos G Malbrán”
Classification: Uncertain significance for Kabuki syndrome 1. Last evaluated: 2025-05-05. Review status: criteria provided, single submitter. Criteria: ACMG Guidelines, 2015. Collection method: clinical testing. Allele origin: germline. Inheritance: Autosomal dominant inheritance. Affected: yes. Observed: 1 variant allele.
Comment: The c.2080G>C, p.Glu694Gln, variant found is located in exon 11 of the KMT2D gene, with low tolerance to missense variants (Z-score = 4.69, GnomAD database) and with a high rate of pathogenic missense variants. The variant is located in a disordered region of the protein, between two zinc finger PHD domains in a motif called LIG_SH3_3 that is recognized by those SH3 domains with a non-canonical class I recognition specificity. The genetic variant was classified as VUS.

NM_003482.4(KMT2D):c.2080G>C (p.Glu694Gln)

Gene: KMT2D (lysine methyltransferase 2D; minus strand). Cytogenetic location: 12q13.12.
Variant type: single nucleotide variant.
Coding change: c.2080G>C on transcript NM_003482.4 (MANE Select); coding-DNA position 2080, G replaced by C.
Protein change: p.Glu694Gln; replaces glutamic acid 694 with glutamine.
Molecular consequence: missense variant.
Genome position (GRCh38, 1-based): chr12:49,051,603, C>G on the plus strand (G>C on the coding strand, the complement: KMT2D is on the minus strand). VCF-style: chr12-49051603-C-G. GRCh37 (hg19) VCF-style: chr12-49445386-C-G.
Other names: g.49445386 C>G; p.E694Q; p.Glu694Gln; short protein forms E694Q.
Identifiers: ClinVar variation 3764082 (VCV003764082.2).